The following is an entry in ClinVar:

ClinVar aggregate classification (germline): Uncertain significance (1 of 4 stars; one submission).

Conditions:
Inborn genetic diseases. Identifiers: MedGen C0950123, MeSH D030342.

Submission:

Ambry Genetics
Classification: Uncertain significance for Inborn genetic diseases. Last evaluated: 2026-04-18. Review status: criteria provided, single submitter. Criteria: Ambry Variant Classification Scheme 2023. Collection method: clinical testing. Allele origin: germline.
Comment: The p.M390I variant (also known as c.1170G>A), located in coding exon 6 of the FANCM gene, results from a G to A substitution at nucleotide position 1170. The methionine at codon 390 is replaced by isoleucine, an amino acid with highly similar properties. This amino acid position is conserved. In addition, the in silico prediction for this alteration is inconclusive. Based on the available evidence, the clinical significance of this variant remains unclear.

NM_020937.4(FANCM):c.1170G>A (p.Met390Ile)

Gene: FANCM (FA complementation group M; plus strand). Cytogenetic location: 14q21.2.
Variant type: single nucleotide variant.
Coding change: c.1170G>A on transcript NM_020937.4 (MANE Select); coding-DNA position 1170, G replaced by A.
Protein change: p.Met390Ile; replaces methionine 390 with isoleucine.
Molecular consequence: missense variant.
Genome position (GRCh38, 1-based): chr14:45,154,039, G>A. VCF-style: chr14-45154039-G-A. GRCh37 (hg19) VCF-style: chr14-45623242-G-A.
Other names: c.1092G>A, p.Met364Ile (NM_001308133.2); c.1170G>A, p.Met390Ile (NM_001308134.2); short protein forms M364I, M390I.
Identifiers: ClinVar variation 4871085 (VCV004871085.1).
Genomic context (GRCh38, chr14:45,154,039, plus strand): 5'-TTATGAATTATTGCAGCAAATGGGAATGAGATCATTATATTTCTTCCTTTGTGGAATTAT[G>A]GATGGAACTAAAGGTAAATTATATCAAATTATTTAAAGAAATAATGACATGTATTATTTT-3'
Protein context (NP_065988.1, residues 380-400): RSLYFFLCGI[Met390Ile]DGTKGMTRSK